The following is an entry in ClinVar:

ClinVar aggregate classification (germline): Uncertain significance. Review status: criteria provided, multiple submitters, no conflicts (2 of 4 stars). 2 submissions from 2 submitters: Uncertain significance (2). Last evaluated 2023-06-22.

Conditions:
Familial expansile osteolysis (FEO). Also called: POLYOSTOTIC OSTEOLYTIC DYSPLASIA, HEREDITARY EXPANSILE; MCCABE DISEASE. Identifiers: Orphanet 85195, MedGen C0432292, MONDO:0008275, OMIM 174810.

Submissions (2):

Institute of Human Genetics, University of Leipzig Medical Center
Classification: Uncertain significance for Familial expansile osteolysis. Last evaluated: 2023-06-22. Review status: criteria provided, single submitter. Criteria: ACMG Guidelines, 2015. Collection method: clinical testing. Allele origin: maternal. Inheritance: Autosomal dominant inheritance. Affected: yes.
Comment: Criteria applied: PM2,BP4

Labcorp Genetics (formerly Invitae), Labcorp
Classification: Uncertain significance. Last evaluated: 2023-03-18. Review status: criteria provided, single submitter. Criteria: Invitae Variant Classification Sherloc (09022015). Collection method: clinical testing. Allele origin: germline.
Comment: This variant has not been reported in the literature in individuals affected with TNFRSF11A-related conditions. In summary, the available evidence is currently insufficient to determine the role of this variant in disease. Therefore, it has been classified as a Variant of Uncertain Significance. An algorithm developed to predict the effect of missense changes on protein structure and function (PolyPhen-2) suggests that this variant is likely to be disruptive. ClinVar contains an entry for this variant (Variation ID: 1285402). This variant is not present in population databases (gnomAD no frequency). This sequence change replaces proline, which is neutral and non-polar, with histidine, which is basic and polar, at codon 515 of the TNFRSF11A protein (p.Pro515His).

NM_003839.4(TNFRSF11A):c.1544C>A (p.Pro515His)

Gene: TNFRSF11A (TNF receptor superfamily member 11a; plus strand). Cytogenetic location: 18q21.33.
Variant type: single nucleotide variant.
Coding change: c.1544C>A on transcript NM_003839.4 (MANE Select); coding-DNA position 1544, C replaced by A.
Protein change: p.Pro515His; replaces proline 515 with histidine.
Molecular consequence: missense variant. On other transcripts: intron variant (3).
Genome position (GRCh38, 1-based): chr18:62,369,461, C>A. VCF-style: chr18-62369461-C-A. GRCh37 (hg19) VCF-style: chr18-60036694-C-A.
Other names: c.1502C>A, p.Pro501His (NM_001278268.2); c.783+2701C>A (NM_001270949.2); c.730+7668C>A (NM_001270950.2); c.616+9412C>A (NM_001270951.2); short protein forms P501H, P515H.
Identifiers: ClinVar variation 1285402 (VCV001285402.7), dbSNP rs2145358021, ClinGen allele CA402618203.